The following is an entry in ClinVar:

NM_001048174.2(MUTYH):c.22G>A (p.Val8Met)

Gene: MUTYH (mutY DNA glycosylase; minus strand). Cytogenetic location: 1p34.1.
Variant type: single nucleotide variant.
Coding change: c.22G>A on transcript NM_001048174.2 (MANE Select); coding-DNA position 22, G replaced by A.
Protein change: p.Val8Met; replaces valine 8 with methionine.
Molecular consequence: missense variant. On other transcripts: 5 prime UTR variant (4), non-coding transcript variant (2).
Genome position (GRCh38, 1-based): chr1:45,334,484, C>T on the plus strand (G>A on the coding strand, the complement: MUTYH is on the minus strand). VCF-style: chr1-45334484-C-T. GRCh37 (hg19) VCF-style: chr1-45800156-C-T.
Other names: c.22G>A, p.Val8Met (NM_001048171.2, NM_001048172.2, NM_001048173.2 and 2 more transcripts); c.64G>A, p.Val22Met (NM_001128425.2, NM_001293190.2, NM_012222.3); c.-191G>A (NM_001293192.2, NM_001293196.2); c.-250G>A (NM_001350650.2); c.-186G>A (NM_001350651.2); short protein forms V22M, V8M.
Identifiers: ClinVar variation 41760 (VCV000041760.62), dbSNP rs3219484, ClinGen allele CA011797.

ClinVar aggregate classification (germline): Benign/Likely benign. Review status: criteria provided, multiple submitters, no conflicts (2 of 4 stars). 26 submissions from 25 submitters: Benign (15); Likely benign (1). 10 of the submissions do not count toward it. Last evaluated 2026-02-04.

Conditions:
Hereditary cancer-predisposing syndrome. Also called: Neoplastic Syndromes, Hereditary; Tumor predisposition; Hereditary Cancer Syndrome; Hereditary neoplastic syndrome. Identifiers: Orphanet 140162, MedGen C0027672, MeSH D009386, MONDO:0015356.
Carcinoma of colon (CRC). Also called: Colon carcinoma; Colonic carcinoma. Identifiers: MedGen C0699790, MONDO:0002032.
Familial adenomatous polyposis 2. Also called: ADENOMAS, MULTIPLE COLORECTAL, AUTOSOMAL RECESSIVE; MUTYH Polyposis; Adenomas, multiple colorectal; FAP type 2; MYH-associated polyposis; MUTYH-related attenuated familial adenomatous polyposis. Identifiers: Orphanet 220460, Orphanet 247798, MedGen C3272841, MONDO:0012041, OMIM 608456.
Breast carcinoma. Also called: Carcinoma of breast. Identifiers: MedGen C0678222, MONDO:0004989, HP:0003002.

Allele frequency attached by ClinVar (database versions not stated): 1000 Genomes Project 30x 0.01983; ExAC 0.04915; 1000 Genomes Project 0.02037; gnomAD 0.04691 and 0.04794; TOPMed 0.04222; gnomAD exomes 0.04848; ESP Exome Variant Server 0.05005.

Submissions (26):

Labcorp Genetics (formerly Invitae), Labcorp
Classification: Benign for Familial adenomatous polyposis 2. Last evaluated: 2026-02-04. Review status: criteria provided, single submitter. Criteria: Invitae Variant Classification Sherloc (09022015). Collection method: clinical testing. Allele origin: germline.

Center for Genomic Medicine, Rigshospitalet, Copenhagen University Hospital
Classification: Benign. Last evaluated: 2025-12-29. Review status: criteria provided, single submitter. Criteria: ACMG Guidelines, 2015. Collection method: clinical testing. Allele origin: germline.

ARUP Laboratories, Molecular Genetics and Genomics, ARUP Laboratories
Classification: Benign. Last evaluated: 2025-07-21. Review status: criteria provided, single submitter. Criteria: ARUP Molecular Germline Variant Investigation Process 2024. Collection method: clinical testing. Allele origin: germline.

Blueprint Genetics
Classification: Likely benign. Last evaluated: 2024-11-26. Review status: criteria provided, single submitter. Criteria: ACMG Guidelines, 2015. Collection method: clinical testing. Allele origin: germline.

All of Us Research Program, National Institutes of Health
Classification: Benign for Familial adenomatous polyposis 2. Last evaluated: 2024-10-03. Review status: criteria provided, single submitter. Criteria: ACMG Guidelines, 2015. Collection method: clinical testing. Allele origin: germline. Inheritance: Autosomal recessive inheritance. Observed: 16,085 variant alleles, 15,529 heterozygotes, 556 homozygotes.
Comment: This study involves interpretation of variants in research participants for the purpose of population health screening. Participant phenotype was not available at the time of variant classification. Additional details can be found in publication PMID: 35346344, PMCID: PMC8962531

KCCC/NGS Laboratory, Kuwait Cancer Control Center
Classification: Benign for Familial adenomatous polyposis 2. Last evaluated: 2023-07-07. Review status: criteria provided, single submitter. Criteria: ACMG Guidelines, 2015. Collection method: clinical testing. Allele origin: germline. Affected: yes.

Institute for Biomarker Research, Medical Diagnostic Laboratories, L.L.C.
Classification: Benign for Hereditary cancer-predisposing syndrome. Last evaluated: 2022-08-04. Review status: criteria provided, single submitter. Criteria: ACMG Guidelines, 2015. Collection method: clinical testing. Allele origin: germline.

Department of Pathology and Laboratory Medicine, Sinai Health System
Classification: Benign for Familial adenomatous polyposis 2. Last evaluated: 2019-04-01. Review status: criteria provided, single submitter. Criteria: ACMG Guidelines, 2015. Collection method: research. Allele origin: germline.

Institute of Human Genetics, University of Leipzig Medical Center
Classification: Benign for Breast carcinoma. Last evaluated: 2019-01-01. Review status: criteria provided, single submitter. Criteria: ACMG Guidelines, 2015. Collection method: clinical testing. Allele origin: unknown. Affected: yes.

Illumina Laboratory Services, Illumina
Classification: Benign for Familial adenomatous polyposis 2. Last evaluated: 2018-01-13. Review status: criteria provided, single submitter. Criteria: ICSL Variant Classification Criteria 13 December 2019. Collection method: clinical testing. Allele origin: germline.
Comment: This variant was observed in the ICSL laboratory as part of a predisposition screen in an ostensibly healthy population. It had not been previously curated by ICSL or reported in the Human Gene Mutation Database (HGMD: prior to June 1st, 2018), and was therefore a candidate for classification through an automated scoring system. Utilizing variant allele frequency, disease prevalence and penetrance estimates, and inheritance mode, an automated score was calculated to assess if this variant is too frequent to cause the disease. Based on the score and internal cut-off values, a variant classified as benign is not then subjected to further curation. The score for this variant resulted in a classification of benign for this disease.

Color Diagnostics, LLC DBA Color Health
Classification: Benign for Hereditary cancer-predisposing syndrome. Last evaluated: 2015-03-27. Review status: criteria provided, single submitter. Criteria: ACMG Guidelines, 2015. Collection method: clinical testing. Allele origin: germline.

GeneDx
Classification: Benign. Last evaluated: 2015-03-03. Review status: criteria provided, single submitter. Criteria: GeneDx Variant Classification Process June 2021. Collection method: clinical testing. Allele origin: germline. Affected: yes.
Comment: This variant is associated with the following publications: (PMID: 24728327)

Ambry Genetics
Classification: Benign for Hereditary cancer-predisposing syndrome. Last evaluated: 2014-11-18. Review status: criteria provided, single submitter. Criteria: Ambry Variant Classification Scheme 2023. Collection method: clinical testing. Allele origin: germline.

Eurofins Ntd Llc (ga)
Classification: Benign. Last evaluated: 2012-12-05. Review status: criteria provided, single submitter. Criteria: EGL Classification Definitions 2015. Collection method: clinical testing. Allele origin: germline. Observed: 3 variant alleles, 3 heterozygotes.

Breakthrough Genomics
Classification: Benign. Review status: criteria provided, single submitter. Criteria: ACMG Guidelines, 2015. Collection method: not provided. Allele origin: germline. Inheritance: Autosomal recessive inheritance. Affected: yes.

PreventionGenetics, part of Exact Sciences
Classification: Benign. Review status: criteria provided, single submitter. Criteria: ACMG Guidelines, 2015. Collection method: clinical testing. Allele origin: germline.

True Health Diagnostics
Classification: Benign for Hereditary cancer-predisposing syndrome. Last evaluated: 2018-02-20. Review status: no assertion criteria provided. Collection method: clinical testing. Allele origin: germline. Not counted in ClinVar's aggregate classification.

ITMI
No classification provided. Condition: AllHighlyPenetrant. Last evaluated: 2013-09-19. Review status: no classification provided. Collection method: reference population. Allele origin: germline. Not counted in ClinVar's aggregate classification.
Comment: Please see associated publication for description of ethnicities

Biesecker Lab/Clinical Genomics Section, National Institutes of Health
Classification: Benign. Last evaluated: 2012-07-13. Review status: no assertion criteria provided. Collection method: research. Allele origin: germline. Affected: no. Observed: 67 variant alleles. Study: ClinSeq. Not counted in ClinVar's aggregate classification.
ClinVar note: Converted during submission from no known pathogenicity to Benign.

Clinical Genetics DNA and cytogenetics Diagnostics Lab, Erasmus MC, Erasmus Medical Center
Classification: Benign. Review status: no assertion criteria provided. Collection method: clinical testing. Allele origin: germline. Affected: yes. Study: VKGL Data-share Consensus. Not counted in ClinVar's aggregate classification.

Clinical Genetics, Academic Medical Center
Classification: Benign. Review status: no assertion criteria provided. Collection method: clinical testing. Allele origin: germline. Affected: yes. Study: VKGL Data-share Consensus. Not counted in ClinVar's aggregate classification.

Department of Pathology and Laboratory Medicine, Sinai Health System
Classification: Benign for Carcinoma of colon. Review status: no assertion criteria provided. Collection method: clinical testing. Allele origin: unknown. Affected: yes. Study: The Canadian Open Genetics Repository (COGR). Not counted in ClinVar's aggregate classification.
Comment: The p.Val22Met variant has been previously reported in the literature in 234 of 7042 (frequency of 0.033) probands with FAP, colorectal cancer, prostate cancer, endometrial cancer and lung cancer, and was also identified in 253 of 6558 (frequency of 0.039) controls increasing the likelihood that this is a low frequency benign variant (Agalliu_2010, Alhopuro_2005, Ali_2008, Al-Tassan_2002, Ashton_2009, Croitoru_2004, Gorgens_2006, Isidro_2004, Kambara_2004, Shimura_2001, Shin_2007). Functional assays of the p.Val22Met variant reveal it to be as active as the WT with full glycosylase activity. This variant is not expected to have clinical significance because it is reported in dbSNP as a common polymorphism (dbSNP#: rs3219484), but no frequency informationw as provided. This residue is not highly conserved in mammals and computational analyses (________, SIFT, AlignGVGD) do not suggest a high likelihood of impact to the protein. However, this information is not predictive enough to rule out pathogenicity. In summary, based on the above information, this variant is classified as benign.

Diagnostic Laboratory, Department of Genetics, University Medical Center Groningen
Classification: Benign. Review status: no assertion criteria provided. Collection method: clinical testing. Allele origin: germline. Affected: yes. Study: VKGL Data-share Consensus. Not counted in ClinVar's aggregate classification.

Joint Genome Diagnostic Labs from Nijmegen and Maastricht, Radboudumc and MUMC+
Classification: Benign. Review status: no assertion criteria provided. Collection method: clinical testing. Allele origin: germline. Affected: yes. Study: VKGL Data-share Consensus. Not counted in ClinVar's aggregate classification.

Laboratory of Diagnostic Genome Analysis, Leiden University Medical Center (LUMC)
Classification: Benign. Review status: no assertion criteria provided. Collection method: clinical testing. Allele origin: germline. Affected: yes. Study: VKGL Data-share Consensus. Not counted in ClinVar's aggregate classification.

Mayo Clinic Laboratories, Mayo Clinic
Classification: Benign. Review status: no assertion criteria provided. Collection method: clinical testing. Allele origin: unknown. Not counted in ClinVar's aggregate classification.

Literature cited by the submitters: PubMed 24728327 (cited by ITMI).